The following is an entry in ClinVar:

NM_145262.4(GLYCTK):c.1286G>T (p.Arg429Leu)

Gene: GLYCTK (glycerate kinase; plus strand). Cytogenetic location: 3p21.2.
Variant type: single nucleotide variant.
Coding change: c.1286G>T on transcript NM_145262.4 (MANE Select); coding-DNA position 1286, G replaced by T.
Protein change: p.Arg429Leu; replaces arginine 429 with leucine.
Molecular consequence: missense variant. On other transcripts: 3 prime UTR variant (1), non-coding transcript variant (2).
Genome position (GRCh38, 1-based): chr3:52,292,840, G>T. VCF-style: chr3-52292840-G-T. GRCh37 (hg19) VCF-style: chr3-52326856-G-T.
Other names: c.*405G>T (NM_001144951.2); short protein forms R429L.
Identifiers: ClinVar variation 1942149 (VCV001942149.5), dbSNP rs761904651, ClinGen allele CA353075672.
Genomic context (GRCh38, chr3:52,292,840, plus strand): 5'-AGCCCACAGTACAGCTGCAGGGCTCGGGCAGGGGTGGCCGGAACCAGGAACTGGCCCTGC[G>T]TGTTGGAGCAGAGTTGAGAAGGTGGCCGCTGGGGCCGATAGATGTGCTGTTTTTGAGCGG-3'
Protein context (NP_660305.2, residues 419-439): RGGRNQELAL[Arg429Leu]VGAELRRWPL

ClinVar aggregate classification (germline): Uncertain significance (1 of 4 stars; one submission).

gnomAD v4.1: 2 of 1,613,766 alleles (0.00012%); highest among the groups gnomAD compares: Admixed American, 0.0017%; no homozygotes.

Submission:

Labcorp Genetics (formerly Invitae), Labcorp
Classification: Uncertain significance. Last evaluated: 2022-11-08. Review status: criteria provided, single submitter. Criteria: Invitae Variant Classification Sherloc (09022015). Collection method: clinical testing. Allele origin: germline.
Comment: In summary, the available evidence is currently insufficient to determine the role of this variant in disease. Therefore, it has been classified as a Variant of Uncertain Significance. Advanced modeling of protein sequence and biophysical properties (such as structural, functional, and spatial information, amino acid conservation, physicochemical variation, residue mobility, and thermodynamic stability) performed at Invitae indicates that this missense variant is not expected to disrupt GLYCTK protein function. This variant has not been reported in the literature in individuals affected with GLYCTK-related conditions. This variant is present in population databases (no rsID available, gnomAD 0.003%). This sequence change replaces arginine, which is basic and polar, with leucine, which is neutral and non-polar, at codon 429 of the GLYCTK protein (p.Arg429Leu).